The following is an entry in ClinVar:

NM_001146079.2(CLDN14):c.167_168del (p.Trp56fs)

Genes: CLDN14 (claudin 14; minus strand), CLDN14-AS1 (CLDN14 antisense RNA 1; plus strand). Cytogenetic location: 21q22.13.
Variant type: Deletion.
Coding change: c.167_168del on transcript NM_001146079.2 (MANE Select); coding-DNA positions 167 to 168, 2 bases deleted (GG; older notation c.167_168delGG).
Protein change: p.Trp56fs; shifts the reading frame from tryptophan 56.
Molecular consequence: frameshift variant.
Genome position (GRCh38, 1-based): chr21:36,461,528-36,461,529, CC deleted on the plus strand (GG on the coding strand, the reverse complement: CLDN14 is on the minus strand). VCF-style (leftmost placement, unchanged base first): chr21-36461527-GCC-G. GRCh37 (hg19) VCF-style: chr21-37833825-GCC-G.
Other names: c.167_168del, p.Trp56fs (NM_001146077.2, NM_001146078.3, NM_012130.4 and 1 more transcripts); short protein forms W56fs.
Identifiers: ClinVar variation 3601931 (VCV003601931.1).

ClinVar aggregate classification (germline): Pathogenic (1 of 4 stars; one submission).

Conditions:
Autosomal recessive nonsyndromic hearing loss 29. Identifiers: Orphanet 90636, MedGen C3279660, MONDO:0013537, OMIM 614035.

Submission:

Institute of Rare Diseases, West China Hospital, Sichuan University
Classification: Pathogenic for Autosomal recessive nonsyndromic hearing loss 29. Last evaluated: 2025-01-09. Review status: criteria provided, single submitter. Criteria: ClinGen HL ACMG Specifications v1. Collection method: research. Allele origin: germline. Affected: yes.
Comment: PVS1;PM3;PM2_Supporting